The following is an entry in ClinVar:

ClinVar aggregate classification (germline): Uncertain significance (1 of 4 stars; one submission).

Conditions:
Fanconi anemia complementation group O. Also called: RAD51C-Related Fanconi Anemia. Identifiers: Orphanet 84, MedGen C3150653, MONDO:0013248, OMIM 613390.

Submission:

Labcorp Genetics (formerly Invitae), Labcorp
Classification: Uncertain significance for Fanconi anemia complementation group O. Last evaluated: 2025-05-05. Review status: criteria provided, single submitter. Criteria: Invitae Variant Classification Sherloc (09022015). Collection method: clinical testing. Allele origin: germline.
Comment: This sequence change replaces serine, which is neutral and polar, with arginine, which is basic and polar, at codon 331 of the RAD51C protein (p.Ser331Arg). This variant is not present in population databases (gnomAD no frequency). This variant has not been reported in the literature in individuals affected with RAD51C-related conditions. ClinVar contains an entry for this variant (Variation ID: 863234). Invitae Evidence Modeling of protein sequence and biophysical properties (such as structural, functional, and spatial information, amino acid conservation, physicochemical variation, residue mobility, and thermodynamic stability) indicates that this missense variant is not expected to disrupt RAD51C protein function with a negative predictive value of 80%. In summary, the available evidence is currently insufficient to determine the role of this variant in disease. Therefore, it has been classified as a Variant of Uncertain Significance.

NM_058216.3(RAD51C):c.993C>A (p.Ser331Arg)

Gene: RAD51C (RAD51 paralog C; plus strand). Cytogenetic location: 17q22.
Variant type: single nucleotide variant.
Coding change: c.993C>A on transcript NM_058216.3 (MANE Select); coding-DNA position 993, C replaced by A.
Protein change: p.Ser331Arg; replaces serine 331 with arginine.
Molecular consequence: missense variant. On other transcripts: non-coding transcript variant (1).
Genome position (GRCh38, 1-based): chr17:58,732,511, C>A. VCF-style: chr17-58732511-C-A. GRCh37 (hg19) VCF-style: chr17-56809872-C-A.
Other names: short protein forms S331R.
Identifiers: ClinVar variation 863234 (VCV000863234.9), dbSNP rs2049471711, ClinGen allele CA400364964.